The following is an entry in ClinVar:

ClinVar aggregate classification (germline): Uncertain significance (1 of 4 stars; one submission).

Allele frequency attached by ClinVar (database versions not stated): gnomAD 0.00001; gnomAD exomes 0.00001.

Submission:

Labcorp Genetics (formerly Invitae), Labcorp
Classification: Uncertain significance. Last evaluated: 2024-06-17. Review status: criteria provided, single submitter. Criteria: Invitae Variant Classification Sherloc (09022015). Collection method: clinical testing. Allele origin: germline.
Comment: This sequence change replaces proline, which is neutral and non-polar, with leucine, which is neutral and non-polar, at codon 1162 of the SRCAP protein (p.Pro1162Leu). This variant is present in population databases (no rsID available, gnomAD 0.003%). This variant has not been reported in the literature in individuals affected with SRCAP-related conditions. ClinVar contains an entry for this variant (Variation ID: 1987046). Advanced modeling of protein sequence and biophysical properties (such as structural, functional, and spatial information, amino acid conservation, physicochemical variation, residue mobility, and thermodynamic stability) performed at Invitae indicates that this missense variant is not expected to disrupt SRCAP protein function with a negative predictive value of 80%. In summary, the available evidence is currently insufficient to determine the role of this variant in disease. Therefore, it has been classified as a Variant of Uncertain Significance.

NM_006662.3(SRCAP):c.3485C>T (p.Pro1162Leu)

Gene: SRCAP (Snf2 related CREBBP activator protein; plus strand). Cytogenetic location: 16p11.2.
Variant type: single nucleotide variant.
Coding change: c.3485C>T on transcript NM_006662.3 (MANE Select); coding-DNA position 3485, C replaced by T.
Protein change: p.Pro1162Leu; replaces proline 1162 with leucine.
Molecular consequence: missense variant.
Genome position (GRCh38, 1-based): chr16:30,721,420, C>T. VCF-style: chr16-30721420-C-T. GRCh37 (hg19) VCF-style: chr16-30732741-C-T.
Other names: short protein forms P1162L.
Identifiers: ClinVar variation 1987046 (VCV001987046.4), dbSNP rs1243355251, ClinGen allele CA395614071.